The following is an entry in ClinVar:

NM_022725.4(FANCF):c.860A>G (p.Tyr287Cys)

Gene: FANCF (FA complementation group F; minus strand). Cytogenetic location: 11p14.3.
Variant type: single nucleotide variant.
Coding change: c.860A>G on transcript NM_022725.4 (MANE Select); coding-DNA position 860, A replaced by G.
Protein change: p.Tyr287Cys; replaces tyrosine 287 with cysteine.
Molecular consequence: missense variant.
Genome position (GRCh38, 1-based): chr11:22,624,951, T>C on the plus strand (A>G on the coding strand, the complement: FANCF is on the minus strand). VCF-style: chr11-22624951-T-C. GRCh37 (hg19) VCF-style: chr11-22646497-T-C.
Other names: short protein forms Y287C.
Identifiers: ClinVar variation 304201 (VCV000304201.16), dbSNP rs750623273, ClinGen allele CA5924242.

ClinVar aggregate classification (germline): Uncertain significance. Review status: criteria provided, multiple submitters, no conflicts (2 of 4 stars). 4 submissions from 4 submitters: Uncertain significance (4). Last evaluated 2024-10-09.

Conditions:
Fanconi anemia (FA). Also called: Fanconi's anemia. Identifiers: Orphanet 84, MedGen C0015625, MeSH D005199, MONDO:0019391.
Fanconi anemia complementation group F. Also called: FANCF-Related Fanconi Anemia. Identifiers: Orphanet 84, MedGen C3469526, MONDO:0011325, OMIM 603467.

Allele frequency attached by ClinVar (database versions not stated): gnomAD exomes 0.00006 and 0.00019; TOPMed 0.00008; ExAC 0.00009; gnomAD 0.00009.

Submissions (4):

Labcorp Genetics (formerly Invitae), Labcorp
Classification: Uncertain significance for Fanconi anemia. Last evaluated: 2024-10-09. Review status: criteria provided, single submitter. Criteria: Invitae Variant Classification Sherloc (09022015). Collection method: clinical testing. Allele origin: germline.
Comment: This sequence change replaces tyrosine, which is neutral and polar, with cysteine, which is neutral and slightly polar, at codon 287 of the FANCF protein (p.Tyr287Cys). This variant is present in population databases (rs750623273, gnomAD 0.01%). This missense change has been observed in individual(s) with head and neck squamous cell carcinoma (PMID: 28678401). ClinVar contains an entry for this variant (Variation ID: 304201). Invitae Evidence Modeling of protein sequence and biophysical properties (such as structural, functional, and spatial information, amino acid conservation, physicochemical variation, residue mobility, and thermodynamic stability) indicates that this missense variant is expected to disrupt FANCF protein function with a positive predictive value of 80%. In summary, the available evidence is currently insufficient to determine the role of this variant in disease. Therefore, it has been classified as a Variant of Uncertain Significance.

Fulgent Genetics
Classification: Uncertain significance for Fanconi anemia complementation group F. Last evaluated: 2024-02-28. Review status: criteria provided, single submitter. Criteria: ACMG Guidelines, 2015. Collection method: clinical testing. Allele origin: germline.

Women's Health and Genetics/Laboratory Corporation of America, LabCorp
Classification: Uncertain significance. Last evaluated: 2023-12-15. Review status: criteria provided, single submitter. Criteria: LabCorp Variant Classification Summary - May 2015. Collection method: clinical testing. Allele origin: germline.
Comment: Variant summary: FANCF c.860A>G (p.Tyr287Cys) results in a non-conservative amino acid change in the encoded protein sequence. Four of five in-silico tools predict a damaging effect of the variant on protein function. The variant allele was found at a frequency of 6.4e-05 in 251472 control chromosomes. This frequency is not significantly higher than estimated for a pathogenic variant in FANCF causing Fanconi Anemia (6.4e-05 vs 0.0004), allowing no conclusion about variant significance. c.860A>G has been reported in the literature in individuals affected with head and neck squamous cell carcinoma or Cowden-like syndrome, without evidence for causality (e.g. Chandrasekharappa_2017, Henn_2019). These report(s) do not provide unequivocal conclusions about association of the variant with Fanconi Anemia. To our knowledge, no experimental evidence demonstrating an impact on protein function has been reported. The following publications have been ascertained in the context of this evaluation (PMID: 28678401, 30680046). Three submitters have cited clinical-significance assessments for this variant to ClinVar after 2014. All submitters classified the variant as uncertain significance. Based on the evidence outlined above, the variant was classified as uncertain significance.

Illumina Laboratory Services, Illumina
Classification: Uncertain significance for Fanconi anemia complementation group F. Last evaluated: 2018-01-12. Review status: criteria provided, single submitter. Criteria: ICSL Variant Classification Criteria 13 December 2019. Collection method: clinical testing. Allele origin: germline.

Literature cited by the submitters: PubMed 28678401 (cited by Labcorp Genetics (formerly Invitae), Labcorp and Women's Health and Genetics/Laboratory Corporation of America, LabCorp); PubMed 30680046 (cited by Women's Health and Genetics/Laboratory Corporation of America, LabCorp).